The following is an entry in ClinVar:

NM_000701.8(ATP1A1):c.1222+6G>A

Gene: ATP1A1 (ATPase Na+/K+ transporting subunit alpha 1; plus strand). Cytogenetic location: 1p13.1.
Variant type: single nucleotide variant.
Coding change: c.1222+6G>A on transcript NM_000701.8 (MANE Select); 6 bases into the intron after coding-DNA position 1222, G replaced by A.
Molecular consequence: intron variant.
Genome position (GRCh38, 1-based): chr1:116,390,417, G>A. VCF-style: chr1-116390417-G-A. GRCh37 (hg19) VCF-style: chr1-116933039-G-A.
Other names: c.1222+6G>A (NM_001160233.2); c.1129+6G>A (NM_001160234.2).
Identifiers: ClinVar variation 2819949 (VCV002819949.3), dbSNP rs1557786175, ClinGen allele CA525612689.

ClinVar aggregate classification (germline): Uncertain significance (1 of 4 stars; one submission).

Allele frequency attached by ClinVar (database versions not stated): gnomAD 0.00001.
gnomAD v4.1: 2 of 1,613,470 alleles (0.00012%); highest among the groups gnomAD compares: South Asian, 0.0022%; no homozygotes.

Submission:

Labcorp Genetics (formerly Invitae), Labcorp
Classification: Uncertain significance. Last evaluated: 2023-11-08. Review status: criteria provided, single submitter. Criteria: Invitae Variant Classification Sherloc (09022015). Collection method: clinical testing. Allele origin: germline.
Comment: This sequence change falls in intron 9 of the ATP1A1 gene. It does not directly change the encoded amino acid sequence of the ATP1A1 protein. It affects a nucleotide within the consensus splice site. This variant is present in population databases (no rsID available, gnomAD 0.003%). This variant has not been reported in the literature in individuals affected with ATP1A1-related conditions. Variants that disrupt the consensus splice site are a relatively common cause of aberrant splicing (PMID: 17576681, 9536098). Algorithms developed to predict the effect of sequence changes on RNA splicing suggest that this variant is not likely to affect RNA splicing. In summary, the available evidence is currently insufficient to determine the role of this variant in disease. Therefore, it has been classified as a Variant of Uncertain Significance.

Literature cited by the submitters: PubMed 17576681; PubMed 9536098.